The following is an entry in ClinVar:

NM_001360016.2(G6PD):c.486-17del

Gene: G6PD (glucose-6-phosphate dehydrogenase; minus strand). Cytogenetic location: Xq28.
Variant type: Deletion.
Coding change: c.486-17del on transcript NM_001360016.2 (MANE Select); 17 bases into the intron before coding-DNA position 486, one base deleted (C; older notation c.486-17delC).
Molecular consequence: intron variant.
Genome position (GRCh38, 1-based): chrX:154,534,513, G deleted on the plus strand (C on the coding strand, the reverse complement: G6PD is on the minus strand). VCF-style (leftmost placement, unchanged base first): chrX-154534512-AG-A. GRCh37 (hg19) VCF-style: chrX-153762727-AG-A.
Other names: c.576-17del (NM_000402.4); c.486-17del (NM_001042351.3).
Identifiers: ClinVar variation 1722731 (VCV001722731.2), dbSNP rs2523268586, ClinGen allele CA2580101934.

ClinVar aggregate classification (germline): Likely pathogenic (1 of 4 stars; one submission).

Conditions:
Anemia, nonspherocytic hemolytic, due to G6PD deficiency (CNSHA1). Also called: Hemolytic anemia due to G6PD deficiency; Class I glucose-6-phosphate dehydrogenase deficiency; Favism, susceptibility to; ANEMIA, CONGENITAL, NONSPHEROCYTIC HEMOLYTIC, 1. Identifiers: Orphanet 466026, MedGen C2720289, MONDO:0010480, OMIM 300908.

Submission:

Dunham Lab, University of Washington
Classification: Likely pathogenic for Anemia, nonspherocytic hemolytic, due to G6PD deficiency. Last evaluated: 2022-08-12. Review status: criteria provided, single submitter. Criteria: Bayesian ACMG Guidelines, 2018. Collection method: curation. Allele origin: unknown. Affected: yes.
Comment: Variant found in unrelated hemizygotes with G6PD deficiency (PP4, PS4_M). Decreased activity in red blood cells of hemizygotes (45-60%) (PS3). Not observed in gnomAD (PM2). Post_P 0.988 (odds of pathogenicity 729.3, Prior_P 0.1).

Literature cited by the submitters: PubMed 18226470; PubMed 22552160.